The following is an entry in ClinVar:

NM_000478.6(ALPL):c.969C>G (p.Asn323Lys)

Gene: ALPL (alkaline phosphatase, biomineralization associated; plus strand). Cytogenetic location: 1p36.12.
Variant type: single nucleotide variant.
Coding change: c.969C>G on transcript NM_000478.6 (MANE Select); coding-DNA position 969, C replaced by G.
Protein change: p.Asn323Lys; replaces asparagine 323 with lysine.
Molecular consequence: missense variant.
Genome position (GRCh38, 1-based): chr1:21,573,771, C>G. VCF-style: chr1-21573771-C-G. GRCh37 (hg19) VCF-style: chr1-21900264-C-G.
Other names: c.804C>G, p.Asn268Lys (NM_001127501.4); c.738C>G, p.Asn246Lys (NM_001177520.3); c.969C>G, p.Asn323Lys (NM_001369803.2, NM_001369804.2, NM_001369805.2); short protein forms N268K, N323K, N246K.
Identifiers: ClinVar variation 2827148 (VCV002827148.4), dbSNP rs2148184754, ClinGen allele CA338880385.

ClinVar aggregate classification (germline): Conflicting classifications of pathogenicity. Review status: criteria provided, conflicting classifications (1 of 4 stars). 2 submissions from 2 submitters: Likely pathogenic (1); Uncertain significance (1). Last evaluated 2025-08-29.

Conditions:
Hypophosphatasia. Also called: Phosphoethanol-aminuria. Identifiers: Orphanet 436, MedGen C0020630, MeSH D007014, MONDO:0018570.

Submissions (2):

Genomenon, Inc
Classification: Uncertain significance for Hypophosphatasia. Last evaluated: 2025-08-29. Review status: criteria provided, single submitter. Criteria: Genomenon Sequence Variant Interpretation Standards. Collection method: curation. Allele origin: germline. Affected: yes.
Comment: ALPL c.969C>G is a missense variant that changes the amino acid at residue 323 from Asparagine to Lysine. This variant has been observed in at least one proband affected with hypophosphatasia (PMID:32160374). It is absent or not present at a significant frequency in gnomAD. In silico models agree that this variant is possibly or probably damaging. In conclusion, we classify ALPL p.Asn323Lys (c.969C>G) as a variant of unknown significance.

Labcorp Genetics (formerly Invitae), Labcorp
Classification: Likely pathogenic. Last evaluated: 2023-02-10. Review status: criteria provided, single submitter. Criteria: Invitae Variant Classification Sherloc (09022015). Collection method: clinical testing. Allele origin: germline.
Comment: In summary, the currently available evidence indicates that the variant is pathogenic, but additional data are needed to prove that conclusively. Therefore, this variant has been classified as Likely Pathogenic. This variant disrupts the p.Asn323 amino acid residue in ALPL. Other variant(s) that disrupt this residue have been determined to be pathogenic (Invitae). This suggests that this residue is clinically significant, and that variants that disrupt this residue are likely to be disease-causing. Advanced modeling of protein sequence and biophysical properties (such as structural, functional, and spatial information, amino acid conservation, physicochemical variation, residue mobility, and thermodynamic stability) performed at Invitae indicates that this missense variant is expected to disrupt ALPL protein function. This variant has not been reported in the literature in individuals affected with ALPL-related conditions. This variant is not present in population databases (gnomAD no frequency). This sequence change replaces asparagine, which is neutral and polar, with lysine, which is basic and polar, at codon 323 of the ALPL protein (p.Asn323Lys).

Literature cited by the submitters: PubMed 32160374 (cited by Genomenon, Inc).